The following is an entry in ClinVar:

NM_016239.4(MYO15A):c.6764+2T>A

Gene: MYO15A (myosin XVA; plus strand). Cytogenetic location: 17p11.2.
Variant type: single nucleotide variant.
Coding change: c.6764+2T>A on transcript NM_016239.4 (MANE Select); the canonical splice donor site of the intron after coding-DNA position 6764, T replaced by A.
Molecular consequence: splice donor variant.
Genome position (GRCh38, 1-based): chr17:18,148,570, T>A. VCF-style: chr17-18148570-T-A. GRCh37 (hg19) VCF-style: chr17-18051884-T-A.
Identifiers: ClinVar variation 289237 (VCV000289237.54), dbSNP rs763975867, ClinGen allele CA10606379.

ClinVar aggregate classification (germline): Pathogenic/Likely pathogenic. Review status: criteria provided, multiple submitters, no conflicts (2 of 4 stars). 10 submissions from 10 submitters: Pathogenic (6); Likely pathogenic (3). 1 of the submissions does not count toward it. Last evaluated 2026-06-05.

Conditions:
Rare genetic deafness. Identifiers: Orphanet 96210, MedGen C5680250.
MYO15A-related disorder. Also called: MYO15A-related condition.
Autosomal recessive nonsyndromic hearing loss 3. Also called: NEUROSENSORY NONSYNDROMIC RECESSIVE DEAFNESS 3. Identifiers: Orphanet 90636, MedGen C1838263, MONDO:0010860, OMIM 600316.

Allele frequency attached by ClinVar (database versions not stated): gnomAD exomes 0.00002; gnomAD 0.00008 and 0.00009; TOPMed 0.00008.
gnomAD v4.1: 197 of 1,551,436 alleles (0.013%); highest among the groups gnomAD compares: Non-Finnish European, 0.016%; no homozygotes.

Submissions (10):

PreventionGenetics, part of Exact Sciences
Classification: Pathogenic for MYO15A-related condition. Last evaluated: 2026-06-05. Review status: criteria provided, single submitter. Criteria: ACMG Guidelines, 2015. Collection method: clinical testing. Allele origin: germline.
Comment: The MYO15A c.6764+2T>A variant is predicted to disrupt the GT donor site and interfere with normal splicing. This variant was reported along with a second MYO15A variant in three individuals with hearing loss (Neveling et al. 2013. PubMed ID: 24123792; Downie et al. 2019. PubMed ID: 31827275; Yoon et al. 2020. PubMed ID: 32658404). This variant is reported in 0.0079% of alleles in individuals of European (Non-Finnish) descent in gnomAD. Variants that disrupt the consensus splice donor site in MYO15A are expected to be pathogenic. This variant is interpreted as pathogenic.

GeneDx
Classification: Pathogenic. Last evaluated: 2026-03-18. Review status: criteria provided, single submitter. Criteria: GeneDx Variant Classification Process June 2021. Collection method: clinical testing. Allele origin: germline. Affected: yes.
Comment: Identified in patients with hearing loss in published literature (PMID: 26969326, 24123792); Canonical splice site variant predicted to result in a null allele in a gene for which loss of function is a known mechanism of disease; This variant is associated with the following publications: (PMID: 24123792, 27375115, 31827275, 32658404, 26969326, 39333430)

Labcorp Genetics (formerly Invitae), Labcorp
Classification: Pathogenic. Last evaluated: 2024-03-16. Review status: criteria provided, single submitter. Criteria: Invitae Variant Classification Sherloc (09022015). Collection method: clinical testing. Allele origin: germline.
Comment: This sequence change affects a donor splice site in intron 32 of the MYO15A gene. It is expected to disrupt RNA splicing. Variants that disrupt the donor or acceptor splice site typically lead to a loss of protein function (PMID: 16199547), and loss-of-function variants in MYO15A are known to be pathogenic (PMID: 17546645). This variant is present in population databases (rs763975867, gnomAD 0.008%). Disruption of this splice site has been observed in individuals with deafness (PMID: 24123792, 31827275). ClinVar contains an entry for this variant (Variation ID: 289237). For these reasons, this variant has been classified as Pathogenic.

CeGaT Center for Human Genetics Tuebingen
Classification: Pathogenic. Last evaluated: 2024-02-01. Review status: criteria provided, single submitter. Criteria: CeGaT Center For Human Genetics Tuebingen Variant Classification Criteria Version 2. Collection method: clinical testing. Allele origin: germline. Affected: yes. Observed: 1 variant allele.
Comment: MYO15A: PVS1, PM2, PM3

Blueprint Genetics
Classification: Pathogenic for MYO15A-related disorders. Last evaluated: 2023-11-09. Review status: criteria provided, single submitter. Criteria: ACMG Guidelines, 2015. Collection method: clinical testing. Allele origin: germline. Affected: yes. Observed: 5 variant alleles.

Clinical Genetics Laboratory, Skane University Hospital Lund
Classification: Pathogenic. Last evaluated: 2022-05-27. Review status: criteria provided, single submitter. Criteria: ACMG Guidelines, 2015. Collection method: clinical testing. Allele origin: germline. Affected: yes.

Victorian Clinical Genetics Services, Murdoch Childrens Research Institute
Classification: Likely pathogenic for Autosomal recessive nonsyndromic hearing loss 3. Last evaluated: 2021-05-06. Review status: criteria provided, single submitter. Criteria: ACMG Guidelines, 2015. Collection method: clinical testing. Allele origin: germline. Inheritance: Autosomal recessive inheritance. Affected: yes.
Comment: Based on the classification scheme VCGS_Germline_v1.3.4, this variant is classified as 4-likely pathogenic. Following criteria are met: 0102 - Loss of function is a known mechanism of disease in this gene and is associated with deafness, autosomal recessive 3 (MIM#600316). (I) 0106 - This gene is associated with autosomal recessive disease. (I) 0211 - Canonical splice site variant without proven consequence on splicing (no functional evidence available). (SP) 0251 - This variant is heterozygous. (I) 0304 - Variant is present in gnomAD <0.01 for a recessive condition (v3: 12 heterozygotes, 0 homozygotes). (SP) 0508 - In silico predictions for abnormal splicing are inconclusive. (I) 0705 - No comparable canonical splice variants have previous evidence for pathogenicity. (I) 0801 - This variant has strong previous evidence of pathogenicity in unrelated individuals. This variant has been identified in individuals with hearing loss and confirmed to be compound heterozygous in two of these individuals (ClinVar; PMIDs: 24123792, 26969326). (SP) 0905 - No published segregation evidence has been identified for this variant. (I) 1007 - No published functional evidence has been identified for this variant. (I) 1208 - Inheritance information for this variant is not currently available in this individual. (I) Legend: (SP) - Supporting pathogenic, (I) - Information, (SB) - Supporting benign

Laboratory for Molecular Medicine, Mass General Brigham Personalized Medicine
Classification: Likely pathogenic for Rare genetic deafness. Last evaluated: 2019-01-04. Review status: criteria provided, single submitter. Criteria: LMM Criteria. Collection method: clinical testing. Allele origin: germline. Observed: 3 variant alleles.
Comment: The c.6764+2T>A variant in MYO15A has been reported in 3 individuals with hearin g loss (Neveling 2013, LMM data). However, only one of these individuals carried a second variant in MYO15A (Neveling 2013). The c.6764+2T>A variant has also be en identified in 0.0079% (6/75702) of European chromosomes by gnomAD. Although this variant has been seen in the general popu lation, its frequency is low enough to be consistent with a recessive carrier fr equency. This variant occurs in the invariant region (+/- 1,2) of the splice con sensus sequence and is predicted to cause altered splicing leading to an abnorma l or absent protein. Loss of MYO15A function is an established disease mechanism in autosomal recessive hearing loss. In summary, although additional studies ar e required to fully establish its clinical significance, the c.6764+2T>A variant meets criteria to be classified as likely pathogenic for autosomal recessive he aring loss. ACMG/AMP criteria applied: PVS1, PM2.

Eurofins Ntd Llc (ga)
Classification: Likely pathogenic. Last evaluated: 2016-07-05. Review status: criteria provided, single submitter. Criteria: EGL Classification Definitions 2015. Collection method: clinical testing. Allele origin: germline. Observed: 1 variant allele, 1 heterozygote.

Clinical Genetics DNA and cytogenetics Diagnostics Lab, Erasmus MC, Erasmus Medical Center
Classification: Pathogenic. Review status: no assertion criteria provided. Collection method: clinical testing. Allele origin: germline. Affected: yes. Study: VKGL Data-share Consensus. Not counted in ClinVar's aggregate classification.

Literature cited by the submitters: PubMed 16199547 (cited by Labcorp Genetics (formerly Invitae), Labcorp); PubMed 17546645 (cited by Labcorp Genetics (formerly Invitae), Labcorp); PubMed 24123792 (cited by 3 submitters); PubMed 31827275 (cited by Labcorp Genetics (formerly Invitae), Labcorp); PubMed 26969326 (cited by Victorian Clinical Genetics Services, Murdoch Childrens Research Institute).